The following is an entry in ClinVar:

ClinVar aggregate classification (germline): Uncertain significance (1 of 4 stars; one submission).

Submission:

Labcorp Genetics (formerly Invitae), Labcorp
Classification: Uncertain significance. Last evaluated: 2024-09-05. Review status: criteria provided, single submitter. Criteria: Invitae Variant Classification Sherloc (09022015). Collection method: clinical testing. Allele origin: germline.
Comment: This sequence change falls in intron 9 of the C5 gene. It does not directly change the encoded amino acid sequence of the C5 protein. It affects a nucleotide within the consensus splice site. The frequency data for this variant in the population databases is considered unreliable, as metrics indicate poor data quality at this position in the gnomAD database. This variant has not been reported in the literature in individuals affected with C5-related conditions. Variants that disrupt the consensus splice site are a relatively common cause of aberrant splicing (PMID: 17576681, 9536098). Algorithms developed to predict the effect of sequence changes on RNA splicing suggest that this variant is not likely to affect RNA splicing. In summary, the available evidence is currently insufficient to determine the role of this variant in disease. Therefore, it has been classified as a Variant of Uncertain Significance.

Literature cited by the submitters: PubMed 17576681; PubMed 9536098.

NM_001735.3(C5):c.1000+4_1000+5insCTGTGTGTGTGT

Gene: C5 (complement C5; minus strand). Cytogenetic location: 9q33.2.
Variant type: Insertion.
Coding change: c.1000+4_1000+5insCTGTGTGTGTGT on transcript NM_001735.3 (MANE Select); bases 4 to 5 of the intron after coding-DNA position 1000, CTGTGTGTGTGT inserted.
Molecular consequence: intron variant.
Genome position: GRCh38 VCF-style: chr9-121025449-C-CACACACACACAG. GRCh37 (hg19) VCF-style: chr9-123787727-C-CACACACACACAG.
Other names: c.1018+4_1018+5insCTGTGTGTGTGT (NM_001317163.2); c.1000+4_1000+5insCTGTGTGTGTGT (NM_001317164.2).
Identifiers: ClinVar variation 3712245 (VCV003712245.1).